The following is an entry in ClinVar:

ClinVar aggregate classification (germline): Likely benign. Review status: criteria provided, single submitter (1 of 4 stars). 2 submissions from 1 submitter: Likely benign (2). Last evaluated 2018-01-13.

Conditions:
Hypertrophic osteoarthropathy, primary, autosomal recessive, 1 (PHOAR1). Also called: PHO, AUTOSOMAL RECESSIVE. Identifiers: Orphanet 1525, Orphanet 2796, MedGen C4551679, MONDO:0024546, OMIM 259100.
Isolated congenital digital clubbing. Also called: ACROPACHY, HEREDITARY; CLUBBING OF DIGITS. Identifiers: Orphanet 217059, MedGen C0345408, MONDO:0007343, OMIM 119900.

Allele frequency attached by ClinVar (database versions not stated): gnomAD 0.00007 and 0.00010; TOPMed 0.00011; gnomAD exomes 0.00015; 1000 Genomes Project 30x 0.00047; 1000 Genomes Project 0.00060.
gnomAD v4.1: 70 of 540,378 alleles (0.013%); highest among the groups gnomAD compares: East Asian, 0.22%; no homozygotes.

Submissions (2):

Illumina Laboratory Services, Illumina
Classification: Likely benign for Hypertrophic osteoarthropathy, primary, autosomal recessive, 1. Last evaluated: 2018-01-13. Review status: criteria provided, single submitter. Criteria: ICSL Variant Classification Criteria 13 December 2019. Collection method: clinical testing. Allele origin: germline.
Comment: This variant was observed in the ICSL laboratory as part of a predisposition screen in an ostensibly healthy population. It had not been previously curated by ICSL or reported in the Human Gene Mutation Database (HGMD: prior to June 1st, 2018), and was therefore a candidate for classification through an automated scoring system. Utilizing variant allele frequency, disease prevalence and penetrance estimates, and inheritance mode, an automated score was calculated to assess if this variant is too frequent to cause the disease. Based on the score and internal cut-off values, a variant classified as likely benign is not then subjected to further curation. The score for this variant resulted in a classification of likely benign for this disease.

Illumina Laboratory Services, Illumina
Classification: Likely benign for Isolated congenital digital clubbing. Last evaluated: 2018-01-13. Review status: criteria provided, single submitter. Criteria: ICSL Variant Classification Criteria 13 December 2019. Collection method: clinical testing. Allele origin: germline.
Comment: the same text as in the submission from Illumina Laboratory Services, Illumina above.

NM_000860.6(HPGD):c.*207G>A

Gene: HPGD (15-hydroxyprostaglandin dehydrogenase; minus strand). Cytogenetic location: 4q34.1.
Variant type: single nucleotide variant.
Coding change: c.*207G>A on transcript NM_000860.6 (MANE Select); 207 bases downstream of the stop codon, G replaced by A.
Molecular consequence: 3 prime UTR variant.
Genome position (GRCh38, 1-based): chr4:174,491,749, C>T on the plus strand (G>A on the coding strand, the complement: HPGD is on the minus strand). VCF-style: chr4-174491749-C-T. GRCh37 (hg19) VCF-style: chr4-175412900-C-T.
Other names: c.*307G>A (NM_001145816.3); c.*207G>A (NM_001256301.1, NM_001256306.2, NM_001256307.2); c.*335G>A (NM_001256305.2).
Identifiers: ClinVar variation 348193 (VCV000348193.5), dbSNP rs181290362, ClinGen allele CA10617422.